The following is an entry in ClinVar:

NM_000083.3(CLCN1):c.450C>T (p.Tyr150=)

Gene: CLCN1 (chloride voltage-gated channel 1; plus strand). Cytogenetic location: 7q34.
Variant type: single nucleotide variant.
Coding change: c.450C>T on transcript NM_000083.3 (MANE Select); coding-DNA position 450, C replaced by T.
Protein change: p.Tyr150=; no amino-acid change (tyrosine 150 retained).
Molecular consequence: synonymous variant. On other transcripts: non-coding transcript variant (1).
Genome position (GRCh38, 1-based): chr7:143,321,381, C>T. VCF-style: chr7-143321381-C-T. GRCh37 (hg19) VCF-style: chr7-143018474-C-T.
Other names: p.Tyr150=.
Identifiers: ClinVar variation 359099 (VCV000359099.26), dbSNP rs56307536, ClinGen allele CA4536958.
Genomic context (GRCh38, chr7:143,321,381, plus strand): 5'-TGCTCAGCCATGTTCTGCCTAACCCCAGGCATGTGTCTCCGCAGCCTACAAGTGGTCCTA[C>T]GCGCAGATGCAGCCCAGCCTTCCTCTGCAGTTCCTGGTCTGGGTCACCTTCCCACTAGTC-3'
Protein context (NP_000074.3, residues 140-160): AKSLQAYKWS[Tyr150=]AQMQPSLPLQ

ClinVar aggregate classification (germline): Benign/Likely benign. Review status: criteria provided, multiple submitters, no conflicts (2 of 4 stars). 8 submissions from 8 submitters: Benign (6); Likely benign (1). 1 of the submissions does not count toward it. Last evaluated 2026-02-01.

Conditions:
CLCN1-related disorder. Also called: CLCN1-related condition.
Batten-Turner congenital myopathy. Also called: Myotonia congenita; Congenital myotonia. Identifiers: Orphanet 206973, MedGen C0027127, MONDO:0100468, OMIM 255300.
Congenital myotonia, autosomal recessive form. Also called: BECKER DISEASE; myotonia congenita, autosomal recessive; Becker Generalized Myotonia. Identifiers: Orphanet 614, MedGen C0751360, MONDO:0009715, OMIM 255700.
Congenital myotonia, autosomal dominant form (THD). Also called: Myotonia congenita autosomal dominant; THOMSEN DISEASE. Identifiers: Orphanet 614, MedGen C2936781, MONDO:0008055, OMIM 160800.

Allele frequency attached by ClinVar (database versions not stated): gnomAD exomes 0.00097 and 0.00258; ExAC 0.00314; gnomAD 0.00885 and 0.00935; ESP Exome Variant Server 0.00969; TOPMed 0.01019; 1000 Genomes Project 0.01158; 1000 Genomes Project 30x 0.01202.
gnomAD v4.1: 2,829 of 1,614,206 alleles (0.18%); highest among the groups gnomAD compares: African/African-American, 3.2%; 37 homozygotes.

Submissions (8):

Labcorp Genetics (formerly Invitae), Labcorp
Classification: Benign for Congenital myotonia, autosomal recessive form; Congenital myotonia, autosomal dominant form. Last evaluated: 2026-02-01. Review status: criteria provided, single submitter. Criteria: Invitae Variant Classification Sherloc (09022015). Collection method: clinical testing. Allele origin: germline.

Athena Diagnostics
Classification: Benign. Last evaluated: 2024-03-01. Review status: criteria provided, single submitter. Criteria: Athena Diagnostics Criteria. Collection method: clinical testing. Allele origin: unknown.

Mayo Clinic Laboratories, Mayo Clinic
Classification: Benign. Last evaluated: 2023-12-28. Review status: criteria provided, single submitter. Criteria: ACMG Guidelines, 2015. Collection method: clinical testing. Allele origin: germline. Observed: 6 variant alleles.
Comment: BA1, BP4, BP7

Fulgent Genetics
Classification: Likely benign for Congenital myotonia, autosomal dominant form; Congenital myotonia, autosomal recessive form. Last evaluated: 2021-09-01. Review status: criteria provided, single submitter. Criteria: ACMG Guidelines, 2015. Collection method: clinical testing. Allele origin: unknown.

Illumina Laboratory Services, Illumina
Classification: Benign for Myotonia congenita. Last evaluated: 2018-01-13. Review status: criteria provided, single submitter. Criteria: ICSL Variant Classification Criteria 13 December 2019. Collection method: clinical testing. Allele origin: germline.
Comment: This variant was observed in the ICSL laboratory as part of a predisposition screen in an ostensibly healthy population. It had not been previously curated by ICSL or reported in the Human Gene Mutation Database (HGMD: prior to June 1st, 2018), and was therefore a candidate for classification through an automated scoring system. Utilizing variant allele frequency, disease prevalence and penetrance estimates, and inheritance mode, an automated score was calculated to assess if this variant is too frequent to cause the disease. Based on the score and internal cut-off values, a variant classified as benign is not then subjected to further curation. The score for this variant resulted in a classification of benign for this disease.

GeneDx
Classification: Benign. Last evaluated: 2017-03-23. Review status: criteria provided, single submitter. Criteria: GeneDx Variant Classification (06012015). Collection method: clinical testing. Allele origin: germline. Affected: yes.
Comment: This variant is considered likely benign or benign based on one or more of the following criteria: it is a conservative change, it occurs at a poorly conserved position in the protein, it is predicted to be benign by multiple in silico algorithms, and/or has population frequency not consistent with disease.

Breakthrough Genomics
Classification: Benign. Review status: criteria provided, single submitter. Criteria: ACMG Guidelines, 2015. Collection method: not provided. Allele origin: germline. Inheritance: Autosomal recessive inheritance. Affected: yes.

PreventionGenetics, part of Exact Sciences
Classification: Benign for CLCN1-related condition. Last evaluated: 2019-07-19. Review status: no assertion criteria provided. Collection method: clinical testing. Allele origin: germline. Not counted in ClinVar's aggregate classification.
Comment: This variant is classified as benign based on ACMG/AMP sequence variant interpretation guidelines (Richards et al. 2015 PMID: 25741868, with internal and published modifications).